The following is an entry in ClinVar:

NM_173630.4(RTTN):c.1028A>G (p.His343Arg)

Gene: RTTN (rotatin; minus strand). Cytogenetic location: 18q22.2.
Variant type: single nucleotide variant.
Coding change: c.1028A>G on transcript NM_173630.4 (MANE Select); coding-DNA position 1028, A replaced by G.
Protein change: p.His343Arg; replaces histidine 343 with arginine.
Molecular consequence: missense variant. On other transcripts: 5 prime UTR variant (1).
Genome position (GRCh38, 1-based): chr18:70,190,699, T>C on the plus strand (A>G on the coding strand, the complement: RTTN is on the minus strand). VCF-style: chr18-70190699-T-C. GRCh37 (hg19) VCF-style: chr18-67857935-T-C.
Other names: c.-1526A>G (NM_001318520.2); short protein forms H343R.
Identifiers: ClinVar variation 1309765 (VCV001309765.5), dbSNP rs1028579324, ClinGen allele CA301956825.

ClinVar aggregate classification (germline): Uncertain significance. Review status: criteria provided, multiple submitters, no conflicts (2 of 4 stars). 3 submissions from 3 submitters: Uncertain significance (3). Last evaluated 2022-04-25.

Conditions:
Inborn genetic diseases. Identifiers: MedGen C0950123, MeSH D030342.

Allele frequency attached by ClinVar (database versions not stated): gnomAD 0.00003; TOPMed 0.00001.
gnomAD v4.1: 4 of 1,608,234 alleles (0.00025%); highest among the groups gnomAD compares: African/African-American, 0.0053%; no homozygotes.

Submissions (3):

Ambry Genetics
Classification: Uncertain significance for Inborn genetic diseases. Last evaluated: 2022-04-25. Review status: criteria provided, single submitter. Criteria: Ambry Variant Classification Scheme 2023. Collection method: clinical testing. Allele origin: germline.

GeneDx
Classification: Uncertain significance. Last evaluated: 2020-01-24. Review status: criteria provided, single submitter. Criteria: GeneDx Variant Classification Process June 2021. Collection method: clinical testing. Allele origin: germline. Affected: yes.
Comment: In silico analysis, which includes protein predictors and evolutionary conservation, supports that this variant does not alter protein structure/function; Has not been previously published as pathogenic or benign to our knowledge

Breakthrough Genomics
Classification: Uncertain significance. Review status: criteria provided, single submitter. Criteria: ACMG Guidelines, 2015. Collection method: not provided. Allele origin: germline. Inheritance: Autosomal recessive inheritance. Affected: yes.